The following is an entry in ClinVar:

ClinVar aggregate classification (germline): Pathogenic/Likely pathogenic. Review status: criteria provided, multiple submitters, no conflicts (2 of 4 stars). 2 submissions from 2 submitters: Pathogenic (1); Likely pathogenic (1). Last evaluated 2023-08-23.

Conditions:
Hereditary spastic paraplegia 31. Also called: SPASTIC PARAPLEGIA 31, AUTOSOMAL DOMINANT. Identifiers: Orphanet 101011, MedGen C1853247, MONDO:0012453, OMIM 610250.

Submissions (2):

Equipe Genetique des Anomalies du Developpement, Université de Bourgogne
Classification: Likely pathogenic for Hereditary spastic paraplegia 31. Last evaluated: 2023-08-23. Review status: criteria provided, single submitter. Criteria: ACMG Guidelines, 2015. Collection method: clinical testing. Allele origin: maternal. Affected: yes.
Comment: This c.56C>T missense variant present in a heterozygous state impacts a preserved amino acid and is localized in a functional domain. In silico prediction scores are in favour of a deleterious effect. This variant is reported in ClinVar as pathogenic (VCV000989221.1). It is not reported in gnomAD (v4.1.0). Monoallelic variants in the REEP1 gene are responsible for a form of an autosomal dominant form of spastic paraplegia (OMIM #610250). According to available evidence, this variant is considered to be likely pathogenic.

Paris Brain Institute, Inserm - ICM
Classification: Pathogenic for Hereditary spastic paraplegia 31. Review status: criteria provided, single submitter. Criteria: ACMG Guidelines, 2015. Collection method: clinical testing. Allele origin: unknown. Affected: yes. Observed: 1 variant allele.

NM_001371279.1(REEP1):c.56C>T (p.Pro19Leu)

Gene: REEP1 (receptor accessory protein 1; minus strand). Cytogenetic location: 2p11.2.
Variant type: single nucleotide variant.
Coding change: c.56C>T on transcript NM_001371279.1 (MANE Select); coding-DNA position 56, C replaced by T.
Protein change: p.Pro19Leu; replaces proline 19 with leucine.
Molecular consequence: missense variant. On other transcripts: intron variant (1).
Genome position (GRCh38, 1-based): chr2:86,282,219, G>A on the plus strand (C>T on the coding strand, the complement: REEP1 is on the minus strand). VCF-style: chr2-86282219-G-A. GRCh37 (hg19) VCF-style: chr2-86509342-G-A.
Other names: c.77C>T, p.Pro26Leu (NM_001164730.2); c.56C>T, p.Pro19Leu (NM_001164732.2, NM_001371280.1, NM_022912.3); c.25-18178C>T (NM_001164731.2); short protein forms P19L, P26L.
Identifiers: ClinVar variation 989221 (VCV000989221.2), dbSNP rs1060503496, ClinGen allele CA347722702.